The following is an entry in ClinVar:

NM_021800.3(DNAJC12):c.85del (p.Gln29fs)

Gene: DNAJC12 (DnaJ heat shock protein family (Hsp40) member C12; minus strand). Cytogenetic location: 10q21.3.
Variant type: Deletion.
Coding change: c.85del on transcript NM_021800.3 (MANE Select); coding-DNA position 85, one base deleted (C; older notation c.85delC).
Protein change: p.Gln29fs; shifts the reading frame from glutamine 29.
Molecular consequence: frameshift variant.
Genome position (GRCh38, 1-based): chr10:67,823,386, G deleted on the plus strand (C on the coding strand, the reverse complement: DNAJC12 is on the minus strand). VCF-style (leftmost placement, unchanged base first): chr10-67823385-TG-T. GRCh37 (hg19) VCF-style: chr10-69583143-TG-T.
Other names: c.85del, p.Gln29fs (NM_201262.2); c.85del (NM_021800.2); short protein forms Q29fs.
Identifiers: ClinVar variation 694071 (VCV000694071.8), dbSNP rs770562664, ClinGen allele CA5520923.

ClinVar aggregate classification (germline): Pathogenic/Likely pathogenic. Review status: criteria provided, multiple submitters, no conflicts (2 of 4 stars). 3 submissions from 3 submitters: Pathogenic (1); Likely pathogenic (1). 1 of the submissions does not count toward it. Last evaluated 2022-06-28.

Conditions:
Hyperphenylalaninemia due to DNAJC12 deficiency. Also called: Hyperphenylalaninemia, mild, non-bh4-deficient. Identifiers: Orphanet 508523, MedGen C4479270, MONDO:0044304, OMIM 617384.

Allele frequency attached by ClinVar (database versions not stated): ExAC 0.00001; gnomAD 0.00001; gnomAD exomes 0.00001 and 0.00002; TOPMed 0.00003; ESP Exome Variant Server 0.00008.

Submissions (3):

Labcorp Genetics (formerly Invitae), Labcorp
Classification: Pathogenic. Last evaluated: 2022-06-28. Review status: criteria provided, single submitter. Criteria: Invitae Variant Classification Sherloc (09022015). Collection method: clinical testing. Allele origin: germline.
Comment: This sequence change creates a premature translational stop signal (p.Gln29Lysfs*38) in the DNAJC12 gene. It is expected to result in an absent or disrupted protein product. Loss-of-function variants in DNAJC12 are known to be pathogenic (PMID: 28132689, 28892570). This variant is present in population databases (rs770562664, gnomAD 0.004%). This premature translational stop signal has been observed in individual(s) with clinical features of DNAJC12-related conditions (PMID: 28794131). ClinVar contains an entry for this variant (Variation ID: 694071). For these reasons, this variant has been classified as Pathogenic.

GeneDx
Classification: Likely pathogenic. Last evaluated: 2019-05-13. Review status: criteria provided, single submitter. Criteria: GeneDx Variant Classification Process June 2021. Collection method: clinical testing. Allele origin: germline. Affected: yes.
Comment: Frameshift variant predicted to result in protein truncation or nonsense mediated decay in a gene for which loss-of-function is a known mechanism of disease; Not observed at a significant frequency in large population cohorts (Lek et al., 2016); Reported in two siblings with mild hyperphenylalaninemia, autistic features, and mild axial hypotonia who also harbored a second DNAJC12 variant, although phase was not confirmede (van Spronsen et al., 2017).; This variant is associated with the following publications: (PMID: 28794131)

OMIM
Classification: Pathogenic for HYPERPHENYLALANINEMIA, MILD, NON-BH4-DEFICIENT. Last evaluated: 2019-11-01. Review status: no assertion criteria provided. Collection method: literature only. Allele origin: germline. Not counted in ClinVar's aggregate classification.

Literature cited by the submitters: PubMed 28132689 (cited by Labcorp Genetics (formerly Invitae), Labcorp); PubMed 28892570 (cited by Labcorp Genetics (formerly Invitae), Labcorp); PubMed 28794131 (cited by Labcorp Genetics (formerly Invitae), Labcorp and OMIM).